The following is an entry in ClinVar:

ClinVar aggregate classification (germline): Pathogenic. Review status: criteria provided, multiple submitters, no conflicts (2 of 4 stars). 6 submissions from 6 submitters: Pathogenic (5). 1 of the submissions does not count toward it. Last evaluated 2025-12-01.

Conditions:
Bronchiectasis with or without elevated sweat chloride 1 (BESC1). Also called: Cystic Fibrosis-Like Syndrome. Identifiers: Orphanet 60033, MedGen C2749757, MONDO:0008887, OMIM 211400.
CFTR-related disorder (CFTR-RD). Also called: CFTR-related disorders; CFTR-related condition. Identifiers: MedGen C5924204, MONDO:7770004.
Cystic fibrosis (CF). Also called: MUCOVISCIDOSIS. Identifiers: Orphanet 586, MedGen C0010674, MONDO:0009061, OMIM 219700. Disease mechanism: loss of function.

Allele frequency attached by ClinVar (database versions not stated): TOPMed 0.00001.
gnomAD v4.1: 8 of 1,537,676 alleles (0.00052%); highest among the groups gnomAD compares: Non-Finnish European, 0.0007%; no homozygotes.

Submissions (6):

Natera, Inc.
Classification: Pathogenic for CFTR-related disorders. Last evaluated: 2025-12-01. Review status: criteria provided, single submitter. Criteria: Natera Variant Classification Schema (03/2026). Collection method: clinical testing. Allele origin: germline.
Comment: The c.2490+1G>T variant in CFTR is a canonical splice donor site variant predicted to affect pre-mRNA splicing, which may result in an abnormal transcript and altered protein product. This variant is expected to result in nonsense mediated decay, truncation, or a dysfunctional protein product. This variant is rare in the general population with a frequency below the threshold expected for the associated phenotype(s). This variant has been observed in one or more individuals affected with the associated recessive disease, as either homozygous or compound heterozygous with a second variant (PMID: 19014821). Another variant at this same site results in an alteration predicted to cause a similar molecular effect has been observed in individual(s) with the associated phenotype. Given the available evidence, this variant is classified as Pathogenic.

Labcorp Genetics (formerly Invitae), Labcorp
Classification: Pathogenic for Cystic fibrosis. Last evaluated: 2025-10-10. Review status: criteria provided, single submitter. Criteria: Invitae Variant Classification Sherloc (09022015). Collection method: clinical testing. Allele origin: germline.
Comment: This sequence change affects a donor splice site in intron 14 of the CFTR gene. It is expected to disrupt RNA splicing. Variants that disrupt the donor or acceptor splice site typically lead to a loss of protein function (PMID: 16199547), and loss-of-function variants in CFTR are known to be pathogenic (PMID: 1695717, 7691345, 9725922). The frequency data for this variant in the population databases is considered unreliable, as metrics indicate poor data quality at this position in the gnomAD database. Disruption of this splice site has been observed in individuals with cystic fibrosis (PMID: 7683952, 9239681, 12815607, 20059485, 23974870). This variant is also known as c.2622+1G>T. ClinVar contains an entry for this variant (Variation ID: 973859). Algorithms developed to predict the effect of sequence changes on RNA splicing suggest that this variant may disrupt the consensus splice site. For these reasons, this variant has been classified as Pathogenic.

Women's Health and Genetics/Laboratory Corporation of America, LabCorp
Classification: Pathogenic for Cystic fibrosis. Last evaluated: 2024-12-31. Review status: criteria provided, single submitter. Criteria: LabCorp Variant Classification Summary - May 2015. Collection method: clinical testing. Allele origin: germline.
Comment: Variant summary: CFTR c.2490+1G>T is located in a canonical splice-site and is predicted to affect mRNA splicing resulting in a significantly altered protein due to either exon skipping, shortening, or inclusion of intronic material. Variants that disrupt the consensus splice site are a relatively common cause of aberrant splicing and loss of CFTR function. Several computational tools predict a significant impact on normal splicing: Four predict the variant abolishes a canonical 5' splicing donor site. However, these predictions have yet to be confirmed by functional studies. The variant allele was found at a frequency of 5.3e-06 in 190386 control chromosomes. c.2490+1G>T also known as c.2622+1G>T has been reported in the literature in individuals affected with Cystic Fibrosis (examples: Scotet_2003, Soultan_2008, Raraigh_2021). These data indicate that the variant is likely to be associated with disease. The following publications have been ascertained in the context of this evaluation (PMID: 12815607, 34782259, 19014821). ClinVar contains an entry for this variant (Variation ID: 973859). Based on the evidence outlined above, the variant was classified as pathogenic.

Baylor Genetics
Classification: Pathogenic for Bronchiectasis with or without elevated sweat chloride 1. Last evaluated: 2024-03-20. Review status: criteria provided, single submitter. Criteria: ACMG Guidelines, 2015. Collection method: clinical testing. Allele origin: unknown.

Johns Hopkins Genomics, Johns Hopkins University
Classification: Pathogenic for Cystic fibrosis. Last evaluated: 2020-03-09. Review status: criteria provided, single submitter. Criteria: ACMG Guidelines, 2015. Collection method: clinical testing. Allele origin: germline.
Comment: CFTR c.2490+1G>T has been previously identified in a patient with cystic fibrosis. This CFTR variant (rs141158996) is rare (<0.1%) in a large population dataset (gnomAD: 1/190386 total alleles; 0.0005%; no homozygotes). This variant destroys a canonical splice donor site and is predicted to cause abnormal gene splicing. We consider this variant to be pathogenic.

PreventionGenetics, part of Exact Sciences
Classification: Pathogenic for CFTR-related condition. Last evaluated: 2023-12-21. Review status: no assertion criteria provided. Collection method: clinical testing. Allele origin: germline. Not counted in ClinVar's aggregate classification.
Comment: The CFTR c.2490+1G>T variant is predicted to disrupt the GT donor site and interfere with normal splicing. This variant was reported in individuals undergoing genetic testing for cystic fibrosis (referred to as c.2622+1G>T in Scotet et al. 2003. PubMed ID: 12815607; Table S4, Raraigh et al. 2021. PubMed ID: 34782259). This variant is reported in 0.0011% of alleles in individuals of European (non-Finnish) descent in gnomAD and is interpreted as pathogenic in the ClinVar database. Variants that disrupt the consensus splice donor site in CFTR are expected to be pathogenic. This variant is interpreted as pathogenic.

Literature cited by the submitters: PubMed 19014821 (cited by Natera, Inc. and Women's Health and Genetics/Laboratory Corporation of America, LabCorp); PubMed 16199547 (cited by Labcorp Genetics (formerly Invitae), Labcorp); PubMed 1695717 (cited by Labcorp Genetics (formerly Invitae), Labcorp); PubMed 7691345 (cited by Labcorp Genetics (formerly Invitae), Labcorp); PubMed 9725922 (cited by Labcorp Genetics (formerly Invitae), Labcorp); PubMed 7683952 (cited by Labcorp Genetics (formerly Invitae), Labcorp); PubMed 9239681 (cited by Labcorp Genetics (formerly Invitae), Labcorp); PubMed 12815607 (cited by 3 submitters); PubMed 20059485 (cited by Labcorp Genetics (formerly Invitae), Labcorp); PubMed 23974870 (cited by Labcorp Genetics (formerly Invitae), Labcorp); PubMed 34782259 (cited by Women's Health and Genetics/Laboratory Corporation of America, LabCorp).

NM_000492.4(CFTR):c.2490+1G>T

Gene: CFTR (CF transmembrane conductance regulator; plus strand). Cytogenetic location: 7q31.2.
Variant type: single nucleotide variant.
Coding change: c.2490+1G>T on transcript NM_000492.4 (MANE Select); the canonical splice donor site of the intron after coding-DNA position 2490, G replaced by T.
Molecular consequence: splice donor variant.
Genome position (GRCh38, 1-based): chr7:117,592,658, G>T. VCF-style: chr7-117592658-G-T. GRCh37 (hg19) VCF-style: chr7-117232712-G-T.
Identifiers: ClinVar variation 973859 (VCV000973859.11), dbSNP rs141158996, ClinGen allele CA4451190.